The following is an entry in ClinVar:

ClinVar aggregate classification (germline): Conflicting classifications of pathogenicity. Review status: criteria provided, conflicting classifications (1 of 4 stars). 4 submissions from 4 submitters: Uncertain significance (1); Likely benign (2). 1 of the submissions does not count toward it. Last evaluated 2024-04-29.

Conditions:
CREBBP-related disorder. Also called: CREBBP-related condition; CREBBP-related disorders.
Rubinstein-Taybi syndrome due to CREBBP mutations (RSTS1). Also called: CREBBP-Related Rubinstein-Taybi Syndrome; RUBINSTEIN-TAYBI SYNDROME 1, INCOMPLETE; BROAD THUMB-HALLUX SYNDROME; BROAD THUMBS AND GREAT TOES, CHARACTERISTIC FACIES, AND IMPAIRED INTELLECTUAL DEVELOPMENT; Rubinstein-Taybi syndrome 1; RUBINSTEIN SYNDROME. Identifiers: Orphanet 353277, Orphanet 783, MedGen C4551859, MONDO:0008393, OMIM 180849.
Menke-Hennekam syndrome 1 (MKHK1). Identifiers: MedGen C5193034, MONDO:0020763, OMIM 618332.
Rubinstein-Taybi syndrome (RSTS). Identifiers: Orphanet 783, MedGen C0035934, MONDO:0019188.

Allele frequency attached by ClinVar (database versions not stated): TOPMed below 0.00001; gnomAD exomes 0.00001.
gnomAD v4.1: 7 of 1,526,266 alleles (0.00046%); highest among the groups gnomAD compares: African/African-American, 0.0028%; no homozygotes.

Submissions (4):

Fulgent Genetics
Classification: Uncertain significance for Rubinstein-Taybi syndrome due to CREBBP mutations; Menke-Hennekam syndrome 1. Last evaluated: 2024-04-29. Review status: criteria provided, single submitter. Criteria: ACMG Guidelines, 2015. Collection method: clinical testing. Allele origin: germline.

Labcorp Genetics (formerly Invitae), Labcorp
Classification: Likely benign for Rubinstein-Taybi syndrome. Last evaluated: 2024-02-24. Review status: criteria provided, single submitter. Criteria: Invitae Variant Classification Sherloc (09022015). Collection method: clinical testing. Allele origin: germline.

CeGaT Center for Human Genetics Tuebingen
Classification: Likely benign. Last evaluated: 2023-04-01. Review status: criteria provided, single submitter. Criteria: CeGaT Center For Human Genetics Tuebingen Variant Classification Criteria Version 2. Collection method: clinical testing. Allele origin: germline. Affected: yes. Observed: 1 variant allele.
Comment: CREBBP: BP4, BP7

PreventionGenetics, part of Exact Sciences
Classification: Likely benign for CREBBP-related condition. Last evaluated: 2022-02-23. Review status: no assertion criteria provided. Collection method: clinical testing. Allele origin: germline. Not counted in ClinVar's aggregate classification.
Comment: This variant is classified as likely benign based on ACMG/AMP sequence variant interpretation guidelines (Richards et al. 2015 PMID: 25741868, with internal and published modifications).

NM_004380.3(CREBBP):c.5796G>A (p.Thr1932=)

Gene: CREBBP (CREB binding lysine acetyltransferase; minus strand). Cytogenetic location: 16p13.3.
Variant type: single nucleotide variant.
Coding change: c.5796G>A on transcript NM_004380.3 (MANE Select); coding-DNA position 5796, G replaced by A.
Protein change: p.Thr1932=; no amino-acid change (threonine 1932 retained).
Molecular consequence: synonymous variant.
Genome position (GRCh38, 1-based): chr16:3,729,251, C>T on the plus strand (G>A on the coding strand, the complement: CREBBP is on the minus strand). VCF-style: chr16-3729251-C-T. GRCh37 (hg19) VCF-style: chr16-3779252-C-T.
Other names: c.5796G>A (NM_004380.2); c.5682G>A, p.Thr1894= (NM_001079846.1).
Identifiers: ClinVar variation 1421131 (VCV001421131.32), dbSNP rs755609198, ClinGen allele CA7869243.
Genomic context (GRCh38, chr16:3,729,251, plus strand): 5'-AGGGGGCTGGGCCGGGGGTGGGGGGGCCGGCACCTGGCTGGTAGGCTTCCCTGTGGACAC[C>T]GTGGTGGGGGGCTGAGTCCGGGCCACGCTGGGGAAGCCAGCTGGTGACATGCTCACGGGT-3'
Protein context (NP_004371.2, residues 1922-1942): PSVARTQPPT[Thr1932=]VSTGKPTSQV